The following is an entry in ClinVar:

NM_001957.4(EDNRA):c.1072G>A (p.Ala358Thr)

Gene: EDNRA (endothelin receptor type A; plus strand). Cytogenetic location: 4q31.23.
Variant type: single nucleotide variant.
Coding change: c.1072G>A on transcript NM_001957.4 (MANE Select); coding-DNA position 1072, G replaced by A.
Protein change: p.Ala358Thr; replaces alanine 358 with threonine.
Molecular consequence: missense variant. On other transcripts: non-coding transcript variant (3).
Genome position (GRCh38, 1-based): chr4:147,540,414, G>A. VCF-style: chr4-147540414-G-A. GRCh37 (hg19) VCF-style: chr4-148461566-G-A.
Other names: c.745G>A, p.Ala249Thr (NM_001166055.2); short protein forms A249T, A358T.
Identifiers: ClinVar variation 2573691 (VCV002573691.1), dbSNP rs2530421278, ClinGen allele CA358423122.

ClinVar aggregate classification (germline): Uncertain significance (1 of 4 stars; one submission).

Submission:

GeneDx
Classification: Uncertain significance. Last evaluated: 2023-01-17. Review status: criteria provided, single submitter. Criteria: GeneDx Variant Classification Process June 2021. Collection method: clinical testing. Allele origin: germline. Affected: yes.
Comment: Not observed at significant frequency in large population cohorts (gnomAD); In silico analysis supports that this missense variant has a deleterious effect on protein structure/function; Has not been previously published as pathogenic or benign to our knowledge